The following is an entry in ClinVar:

ClinVar aggregate classification (germline): Pathogenic. Review status: criteria provided, multiple submitters, no conflicts (2 of 4 stars). 7 submissions from 7 submitters: Pathogenic (7). Last evaluated 2026-06-16.

Conditions:
Myoclonic dystonia 11 (DYT11). Also called: Myoclonus-Dystonia; Myoclonic dystonia; Dystonia 11; Dystonia, alcohol responsive; Hereditary essential myoclonus; SGCE Myoclonus-Dystonia. Identifiers: Orphanet 36899, MedGen C1834570, MONDO:0008044, OMIM 159900.

Allele frequency attached by ClinVar (database versions not stated): TOPMed 0.00001.
gnomAD v4.1: 1 of 1,613,026 alleles (0.000062%); highest among the groups gnomAD compares: Non-Finnish European, 0.000085%; no homozygotes.

Submissions (7):

Greenwood Genetic Center Diagnostic Laboratories, Greenwood Genetic Center
Classification: Pathogenic for Myoclonic dystonia 11. Last evaluated: 2026-06-16. Review status: criteria provided, single submitter. Criteria: ACMG Guidelines, 2015. Collection method: clinical testing. Allele origin: germline. Affected: yes.
Comment: PVS1, PS4, PM2

GeneDx
Classification: Pathogenic. Last evaluated: 2025-12-30. Review status: criteria provided, single submitter. Criteria: GeneDx Variant Classification Process June 2021. Collection method: clinical testing. Allele origin: germline. Affected: yes.
Comment: Nonsense variant predicted to result in protein truncation or nonsense mediated decay in a gene for which loss of function is a known mechanism of disease; Not observed at significant frequency in large population cohorts (gnomAD); This variant is associated with the following publications: (PMID: 23641306, 39887724, 36054588, 25525159, 18759336, 19117361, 18205193, 23332219, 18175340, 33022436, 15389977, 24297365, 12821748, 31423828, 31440721, 35041927, 17853490, 36161439, 12391346)

Labcorp Genetics (formerly Invitae), Labcorp
Classification: Pathogenic for Myoclonic dystonia 11. Last evaluated: 2024-06-24. Review status: criteria provided, single submitter. Criteria: Invitae Variant Classification Sherloc (09022015). Collection method: clinical testing. Allele origin: germline.
Comment: This sequence change creates a premature translational stop signal (p.Arg237*) in the SGCE gene. It is expected to result in an absent or disrupted protein product. Loss-of-function variants in SGCE are known to be pathogenic (PMID: 12821748, 15389977, 17853490, 24297365). This variant is not present in population databases (gnomAD no frequency). This premature translational stop signal has been observed in individual(s) with myoclonus-dystonia (PMID: 18205193). ClinVar contains an entry for this variant (Variation ID: 94384). Algorithms developed to predict the effect of sequence changes on RNA splicing suggest that this variant may disrupt the consensus splice site. For these reasons, this variant has been classified as Pathogenic.

CeGaT Center for Human Genetics Tuebingen
Classification: Pathogenic. Last evaluated: 2019-06-01. Review status: criteria provided, single submitter. Criteria: CeGaT Center For Human Genetics Tuebingen Variant Classification Criteria Version 2. Collection method: clinical testing. Allele origin: germline. Affected: yes. Observed: 1 variant allele.

Knight Diagnostic Laboratories, Oregon Health and Sciences University
Classification: Pathogenic. Last evaluated: 2019-05-17. Review status: criteria provided, single submitter. Criteria: ACMG Guidelines, 2015. Collection method: clinical testing. Allele origin: germline. Observed: 1 variant allele.

Eurofins Ntd Llc (ga)
Classification: Pathogenic. Last evaluated: 2012-11-09. Review status: criteria provided, single submitter. Criteria: EGL Classification Definitions 2015. Collection method: clinical testing. Allele origin: germline. Observed: 1 variant allele, 1 heterozygote.

3billion
Classification: Pathogenic for Myoclonic dystonia 11. Review status: criteria provided, single submitter. Criteria: ACMG Guidelines, 2015. Collection method: clinical testing. Allele origin: unknown. Affected: yes. Observed: 1 heterozygote.
Comment: The variant is not observed in the gnomAD v2.1.1 dataset. The variant is predicted to result in a loss or disruption of normal protein function through nonsense-mediated decay (NMD) or protein truncation. Multiple pathogenic variants are reported downstream of the variant. The variant has been reported at least twice as pathogenic with clinical assertions and evidence for the classification (ClinVar ID: VCV000094384 / PMID: 18205193). Therefore, this variant is classified as Pathogenic according to the recommendation of ACMG/AMP guideline.

Literature cited by the submitters: PubMed 12821748 (cited by Labcorp Genetics (formerly Invitae), Labcorp); PubMed 15389977 (cited by Labcorp Genetics (formerly Invitae), Labcorp); PubMed 17853490 (cited by Labcorp Genetics (formerly Invitae), Labcorp); PubMed 24297365 (cited by Labcorp Genetics (formerly Invitae), Labcorp); PubMed 18205193 (cited by Labcorp Genetics (formerly Invitae), Labcorp and 3billion).

NM_003919.3(SGCE):c.709C>T (p.Arg237Ter)

Genes: CASD1 (CAS1 domain sialic acid O acetyltransferase 1; plus strand), SGCE (sarcoglycan epsilon; minus strand). Cytogenetic location: 7q21.3.
Variant type: single nucleotide variant.
Coding change: c.709C>T on transcript NM_003919.3 (MANE Select); coding-DNA position 709, C replaced by T.
Protein change: p.Arg237Ter; replaces arginine 237 with a stop codon.
Molecular consequence: nonsense.
Genome position (GRCh38, 1-based): chr7:94,603,406, G>A on the plus strand (C>T on the coding strand, the complement: SGCE is on the minus strand). VCF-style: chr7-94603406-G-A. GRCh37 (hg19) VCF-style: chr7-94232718-G-A.
Other names: c.709C>T, p.Arg237Ter (NM_001099400.2, NM_001099401.2, NM_001346717.2); c.586C>T, p.Arg196Ter (NM_001301139.2, NM_001362809.2); c.817C>T, p.Arg273Ter (NM_001346713.2, NM_001346715.2); c.622C>T, p.Arg208Ter (NM_001346719.2, NM_001362807.2); c.436C>T, p.Arg146Ter (NM_001346720.2, NM_001362808.2); short protein forms R237*, R146*, R273*, R196*, R208*.
Identifiers: ClinVar variation 94384 (VCV000094384.60), dbSNP rs398123812, ClinGen allele CA222238.